The following is an entry in ClinVar:

NM_001611.5(ACP5):c.17C>T (p.Ala6Val)

Gene: ACP5 (acid phosphatase 5, tartrate resistant; minus strand). Cytogenetic location: 19p13.2.
Variant type: single nucleotide variant.
Coding change: c.17C>T on transcript NM_001611.5 (MANE Select); coding-DNA position 17, C replaced by T.
Protein change: p.Ala6Val; replaces alanine 6 with valine.
Molecular consequence: missense variant.
Genome position (GRCh38, 1-based): chr19:11,577,301, G>A on the plus strand (C>T on the coding strand, the complement: ACP5 is on the minus strand). VCF-style: chr19-11577301-G-A. GRCh37 (hg19) VCF-style: chr19-11688116-G-A.
Other names: c.17C>T, p.Ala6Val (NM_001111034.3, NM_001111035.3, NM_001111036.3 and 1 more transcripts); c.17C>T (NM_001111035.1); short protein forms A6V.
Identifiers: ClinVar variation 955959 (VCV000955959.8), dbSNP rs182776939, ClinGen allele CA9215540.

ClinVar aggregate classification (germline): Conflicting classifications of pathogenicity. Review status: criteria provided, conflicting classifications (1 of 4 stars). 2 submissions from 2 submitters: Uncertain significance (1); Likely benign (1). Last evaluated 2022-12-05.

Conditions:
Inborn genetic diseases. Identifiers: MedGen C0950123, MeSH D030342.
Spondyloenchondrodysplasia with immune dysregulation (SPENCDI). Also called: COMBINED IMMUNODEFICIENCY WITH AUTOIMMUNITY AND SPONDYLOMETAPHYSEAL DYSPLASIA; ROIFMAN IMMUNOSKELETAL SYNDROME; SPONDYLOENCHONDRODYSPLASIA WITH OR WITHOUT IMMUNE DYSREGULATION. Identifiers: Orphanet 1855, MedGen C1842763, MONDO:0011939, OMIM 607944.

Allele frequency attached by ClinVar (database versions not stated): ExAC 0.00011; gnomAD exomes 0.00012 and 0.00029; TOPMed 0.00012; gnomAD 0.00015 and 0.00016; 1000 Genomes Project 0.00040; 1000 Genomes Project 30x 0.00047.

Submissions (2):

Ambry Genetics
Classification: Likely benign for Inborn genetic diseases. Last evaluated: 2022-12-05. Review status: criteria provided, single submitter. Criteria: Ambry Variant Classification Scheme 2023. Collection method: clinical testing. Allele origin: germline.

Labcorp Genetics (formerly Invitae), Labcorp
Classification: Uncertain significance for Spondyloenchondrodysplasia with immune dysregulation. Last evaluated: 2022-09-01. Review status: criteria provided, single submitter. Criteria: Invitae Variant Classification Sherloc (09022015). Collection method: clinical testing. Allele origin: germline.
Comment: This sequence change replaces alanine, which is neutral and non-polar, with valine, which is neutral and non-polar, at codon 6 of the ACP5 protein (p.Ala6Val). This variant is present in population databases (rs182776939, gnomAD 0.02%). This variant has not been reported in the literature in individuals affected with ACP5-related conditions. ClinVar contains an entry for this variant (Variation ID: 955959). Algorithms developed to predict the effect of missense changes on protein structure and function output the following: SIFT: "Not Available"; PolyPhen-2: "Benign"; Align-GVGD: "Not Available". The valine amino acid residue is found in multiple mammalian species, which suggests that this missense change does not adversely affect protein function. In summary, the available evidence is currently insufficient to determine the role of this variant in disease. Therefore, it has been classified as a Variant of Uncertain Significance.